The following is an entry in ClinVar:

NM_004793.4(LONP1):c.646A>C (p.Ile216Leu)

Gene: LONP1 (lon peptidase 1, mitochondrial; minus strand). Cytogenetic location: 19p13.3.
Variant type: single nucleotide variant.
Coding change: c.646A>C on transcript NM_004793.4 (MANE Select); coding-DNA position 646, A replaced by C.
Protein change: p.Ile216Leu; replaces isoleucine 216 with leucine.
Molecular consequence: missense variant. On other transcripts: non-coding transcript variant (1).
Genome position (GRCh38, 1-based): chr19:5,711,995, T>G on the plus strand (A>C on the coding strand, the complement: LONP1 is on the minus strand). VCF-style: chr19-5711995-T-G. GRCh37 (hg19) VCF-style: chr19-5712006-T-G.
Other names: c.454A>C, p.Ile152Leu (NM_001276479.2); c.58A>C, p.Ile20Leu (NM_001276480.1); short protein forms I20L, I152L, I216L.
Identifiers: ClinVar variation 1386692 (VCV001386692.6), dbSNP rs2145624245, ClinGen allele CA403539398.

ClinVar aggregate classification (germline): Uncertain significance (1 of 4 stars; one submission).

Submission:

Labcorp Genetics (formerly Invitae), Labcorp
Classification: Uncertain significance. Last evaluated: 2022-03-08. Review status: criteria provided, single submitter. Criteria: Invitae Variant Classification Sherloc (09022015). Collection method: clinical testing. Allele origin: germline.
Comment: In summary, the available evidence is currently insufficient to determine the role of this variant in disease. Therefore, it has been classified as a Variant of Uncertain Significance. Algorithms developed to predict the effect of missense changes on protein structure and function (SIFT, PolyPhen-2, Align-GVGD) all suggest that this variant is likely to be tolerated. This variant has not been reported in the literature in individuals affected with LONP1-related conditions. This variant is not present in population databases (gnomAD no frequency). This sequence change replaces isoleucine, which is neutral and non-polar, with leucine, which is neutral and non-polar, at codon 216 of the LONP1 protein (p.Ile216Leu).